The following is an entry in ClinVar:

NM_001164508.2(NEB):c.985G>A (p.Glu329Lys)

Gene: NEB (nebulin; minus strand). Cytogenetic location: 2q23.3.
Variant type: single nucleotide variant.
Coding change: c.985G>A on transcript NM_001164508.2 (MANE Select); coding-DNA position 985, G replaced by A.
Protein change: p.Glu329Lys; replaces glutamic acid 329 with lysine.
Molecular consequence: missense variant.
Genome position (GRCh38, 1-based): chr2:151,709,706, C>T on the plus strand (G>A on the coding strand, the complement: NEB is on the minus strand). VCF-style: chr2-151709706-C-T. GRCh37 (hg19) VCF-style: chr2-152566220-C-T.
Other names: c.985G>A, p.Glu329Lys (NM_001164507.2, NM_001271208.2, NM_004543.5); c.985G>A (NM_001271208.1); short protein forms E329K.
Identifiers: ClinVar variation 1519486 (VCV001519486.7), dbSNP rs753638647, ClinGen allele CA1911722.

ClinVar aggregate classification (germline): Uncertain significance. Review status: criteria provided, multiple submitters, no conflicts (2 of 4 stars). 2 submissions from 2 submitters: Uncertain significance (2). Last evaluated 2022-02-05.

Conditions:
Nemaline myopathy 2 (NEM2). Also called: Nemaline myopathy 2, autosomal recessive. Identifiers: MedGen C1850569, MONDO:0009725, OMIM 256030.

Allele frequency attached by ClinVar (database versions not stated): gnomAD exomes below 0.00001; TOPMed 0.00002.
gnomAD v4.1: 8 of 1,606,036 alleles (0.0005%); highest among the groups gnomAD compares: Non-Finnish European, 0.0006%; no homozygotes.

Submissions (2):

Labcorp Genetics (formerly Invitae), Labcorp
Classification: Uncertain significance for Nemaline myopathy 2. Last evaluated: 2022-02-05. Review status: criteria provided, single submitter. Criteria: Invitae Variant Classification Sherloc (09022015). Collection method: clinical testing. Allele origin: germline.
Comment: This sequence change replaces glutamic acid, which is acidic and polar, with lysine, which is basic and polar, at codon 329 of the NEB protein (p.Glu329Lys). The frequency data for this variant in the population databases is considered unreliable, as metrics indicate poor data quality at this position in the gnomAD database. This variant has not been reported in the literature in individuals affected with NEB-related conditions. Algorithms developed to predict the effect of missense changes on protein structure and function are either unavailable or do not agree on the potential impact of this missense change (SIFT: "Deleterious"; PolyPhen-2: "Not Available"; Align-GVGD: "Class C0"). In summary, the available evidence is currently insufficient to determine the role of this variant in disease. Therefore, it has been classified as a Variant of Uncertain Significance.

Revvity Omics, Revvity
Classification: Uncertain significance. Last evaluated: 2019-11-16. Review status: criteria provided, single submitter. Criteria: ACMG Guidelines, 2015. Collection method: clinical testing. Allele origin: germline.